The following is an entry in ClinVar:

NM_172250.3(MMAA):c.124C>T (p.Gln42Ter)

Gene: MMAA (metabolism of cobalamin associated A; plus strand). Cytogenetic location: 4q31.21.
Variant type: single nucleotide variant.
Coding change: c.124C>T on transcript NM_172250.3 (MANE Select); coding-DNA position 124, C replaced by T.
Protein change: p.Gln42Ter; replaces glutamine 42 with a stop codon.
Molecular consequence: nonsense.
Genome position (GRCh38, 1-based): chr4:145,639,263, C>T. VCF-style: chr4-145639263-C-T. GRCh37 (hg19) VCF-style: chr4-146560415-C-T.
Other names: short protein forms Q42*.
Identifiers: ClinVar variation 554217 (VCV000554217.7), dbSNP rs758345818, ClinGen allele CA358351519.

ClinVar aggregate classification (germline): Pathogenic. Review status: criteria provided, multiple submitters, no conflicts (2 of 4 stars). 3 submissions from 3 submitters: Pathogenic (2). 1 of the submissions does not count toward it. Last evaluated 2024-11-19.

Conditions:
Methylmalonic aciduria, cblA type (MACA). Also called: Vitamin B12-responsive methylmalonic acidemia type cblA; Methylmalonic aciduria, vitamin b12-responsive, due to defect in synthesis of adenosylcobalamin, cbla complementation type; MMA cbl A type; Methylmalonic acidemia cblA type; Methylmalonic aciduria, vitamin B12-responsive. Identifiers: Orphanet 28, Orphanet 79310, MedGen C1855109, MONDO:0009613, OMIM 251100.

gnomAD v4.1: 1 of 1,614,168 alleles (0.000062%); highest among the groups gnomAD compares: Non-Finnish European, 0.000085%; no homozygotes.

Submissions (3):

3billion
Classification: Pathogenic for Methylmalonic aciduria, cblA type. Last evaluated: 2024-11-19. Review status: criteria provided, single submitter. Criteria: ACMG Guidelines, 2015. Collection method: clinical testing. Allele origin: germline. Affected: yes.
Comment: The variant is observed at an extremely low frequency in the gnomAD v4.1.0 dataset (total allele frequency: <0.001%). Predicted Consequence/Location: Stop-gained (nonsense): predicted to result in a loss or disruption of normal protein function through nonsense-mediated decay (NMD) or protein truncation. Multiple pathogenic variants are reported downstream of the variant. The variant has been reported at least twice as pathogenic with clinical assertions and evidence for the classification (ClinVar ID: VCV000554217). Therefore, this variant is classified as Pathogenic according to the recommendation of ACMG/AMP guideline.

Labcorp Genetics (formerly Invitae), Labcorp
Classification: Pathogenic for Methylmalonic aciduria, cblA type. Last evaluated: 2022-09-08. Review status: criteria provided, single submitter. Criteria: Invitae Variant Classification Sherloc (09022015). Collection method: clinical testing. Allele origin: germline.
Comment: For these reasons, this variant has been classified as Pathogenic. ClinVar contains an entry for this variant (Variation ID: 554217). This variant has not been reported in the literature in individuals affected with MMAA-related conditions. This variant is not present in population databases (gnomAD no frequency). This sequence change creates a premature translational stop signal (p.Gln42*) in the MMAA gene. It is expected to result in an absent or disrupted protein product. Loss-of-function variants in MMAA are known to be pathogenic (PMID: 15523652, 15781192).

Counsyl
Classification: Likely pathogenic for Methylmalonic aciduria, cblA type. Last evaluated: 2017-10-02. Review status: no assertion criteria provided. Collection method: clinical testing. Allele origin: unknown. Not counted in ClinVar's aggregate classification.

Literature cited by the submitters: PubMed 15523652 (cited by Labcorp Genetics (formerly Invitae), Labcorp); PubMed 15781192 (cited by Labcorp Genetics (formerly Invitae), Labcorp).